The following is an entry in ClinVar:

NM_001321075.3(DLG4):c.1363C>T (p.Arg455Cys)

Gene: DLG4 (discs large MAGUK scaffold protein 4; minus strand). Cytogenetic location: 17p13.1.
Variant type: single nucleotide variant.
Coding change: c.1363C>T on transcript NM_001321075.3 (MANE Select); coding-DNA position 1363, C replaced by T.
Protein change: p.Arg455Cys; replaces arginine 455 with cysteine.
Molecular consequence: missense variant. On other transcripts: non-coding transcript variant (1).
Genome position (GRCh38, 1-based): chr17:7,194,434, G>A on the plus strand (C>T on the coding strand, the complement: DLG4 is on the minus strand). VCF-style: chr17-7194434-G-A. GRCh37 (hg19) VCF-style: chr17-7097753-G-A.
Other names: c.1492C>T (NM_001365.3); c.1354C>T, p.Arg452Cys (NM_001128827.4); c.1483C>T, p.Arg495Cys (NM_001321074.1); c.1183C>T, p.Arg395Cys (NM_001321076.3, NM_001321077.3); c.1492C>T, p.Arg498Cys (NM_001365.5); c.1282C>T, p.Arg428Cys (NM_001369566.3); short protein forms R395C, R428C, R452C, R455C, R495C, R498C.
Identifiers: ClinVar variation 975681 (VCV000975681.3), dbSNP rs1207600580, ClinGen allele CA397715773.

ClinVar aggregate classification (germline): Uncertain significance. Review status: criteria provided, multiple submitters, no conflicts (2 of 4 stars). 3 submissions from 3 submitters: Uncertain significance (2). 1 of the submissions does not count toward it. Last evaluated 2024-12-10.

Conditions:
Inborn genetic diseases. Identifiers: MedGen C0950123, MeSH D030342.
Intellectual disability. Also called: intellectual disabilities; Intellectual developmental disorder; Intellectual functioning disability. Identifiers: MedGen C3714756, MeSH D008607, MONDO:0001071, HP:0001249.
DLG4-related disorder. Also called: DLG4-related condition.

Allele frequency attached by ClinVar (database versions not stated): gnomAD exomes below 0.00001; TOPMed 0.00001.

Submissions (3):

Ambry Genetics
Classification: Uncertain significance for Inborn genetic diseases. Last evaluated: 2024-12-10. Review status: criteria provided, single submitter. Criteria: Ambry Variant Classification Scheme 2023. Collection method: clinical testing. Allele origin: germline.

PreventionGenetics, part of Exact Sciences
Classification: Uncertain significance for DLG4-related condition. Last evaluated: 2023-05-24. Review status: criteria provided, single submitter. Criteria: ACMG Guidelines, 2015. Collection method: clinical testing. Allele origin: germline.
Comment: The DLG4 c.1492C>T variant is predicted to result in the amino acid substitution p.Arg498Cys. To our knowledge, this variant has not been reported in the literature or in a large population database, indicating this variant is rare. At this time, the clinical significance of this variant is uncertain due to the absence of conclusive functional and genetic evidence.

Centre de Biologie Pathologie Génétique, Centre Hospitalier Universitaire de Lille
Classification: Likely benign for Intellectual disability. Last evaluated: 2019-01-01. Review status: no assertion criteria provided. Collection method: clinical testing. Allele origin: inherited. Affected: yes. Not counted in ClinVar's aggregate classification.